The following is an entry in ClinVar:

NM_001331076.1(GPR142):c.1097C>T (p.Pro366Leu)

Gene: GPR142 (G protein-coupled receptor 142; plus strand). Cytogenetic location: 17q25.1.
Variant type: single nucleotide variant.
Coding change: c.1097C>T on transcript NM_001331076.1 (MANE Select); coding-DNA position 1097, C replaced by T.
Protein change: p.Pro366Leu; replaces proline 366 with leucine.
Molecular consequence: missense variant.
Genome position (GRCh38, 1-based): chr17:74,372,572, C>T. VCF-style: chr17-74372572-C-T. GRCh37 (hg19) VCF-style: chr17-72368711-C-T.
Other names: c.1097C>T, p.Pro366Leu (NM_001331077.1); c.1361C>T, p.Pro454Leu (NM_181790.1); short protein forms P366L, P454L.
Identifiers: ClinVar variation 2648221 (VCV002648221.24), dbSNP rs140397567, ClinGen allele CA8747737.

ClinVar aggregate classification (germline): Likely benign (1 of 4 stars; one submission).

Allele frequency attached by ClinVar (database versions not stated): 1000 Genomes Project 0.00160; 1000 Genomes Project 30x 0.00172; ESP Exome Variant Server 0.00371; gnomAD 0.00386; ExAC 0.00432; gnomAD exomes 0.00494.

Submission:

CeGaT Center for Human Genetics Tuebingen
Classification: Likely benign. Last evaluated: 2024-08-01. Review status: criteria provided, single submitter. Criteria: CeGaT Center For Human Genetics Tuebingen Variant Classification Criteria Version 2. Collection method: clinical testing. Allele origin: germline. Affected: yes. Observed: 2 variant alleles.
Comment: GPR142: BP4, BS2